The following is an entry in ClinVar:

NM_006009.4(TUBA1A):c.661C>G (p.Arg221Gly)

Gene: TUBA1A (tubulin alpha 1a; minus strand). Cytogenetic location: 12q13.12.
Variant type: single nucleotide variant.
Coding change: c.661C>G on transcript NM_006009.4 (MANE Select); coding-DNA position 661, C replaced by G.
Protein change: p.Arg221Gly; replaces arginine 221 with glycine.
Molecular consequence: missense variant.
Genome position (GRCh38, 1-based): chr12:49,185,705, G>C on the plus strand (C>G on the coding strand, the complement: TUBA1A is on the minus strand). VCF-style: chr12-49185705-G-C. GRCh37 (hg19) VCF-style: chr12-49579488-G-C.
Other names: c.556C>G, p.Arg186Gly (NM_001270400.2); c.661C>G, p.Arg221Gly (NM_001270399.2); short protein forms R186G, R221G.
Identifiers: ClinVar variation 2664974 (VCV002664974.3), dbSNP rs2498860632, ClinGen allele CA384640961.
Genomic context (GRCh38, chr12:49,185,705, plus strand): 5'-AAGCAGTGATGGAGGACACAATTTGACCTATTAACCTATTCAGGTTAGTATAGGTTGGAC[G>C]CTCAATATCGAGGTTTCTACGACAGATGTCATAGATGGCCTCATTGTCTACCATGAAGGC-3'
Protein context (NP_006000.2, residues 211-231): DICRRNLDIE[Arg221Gly]PTYTNLNRLI

ClinVar aggregate classification (germline): Likely pathogenic (1 of 4 stars; one submission).

Conditions:
Lissencephaly due to TUBA1A mutation (CDCBM16). Also called: CORTICAL DYSPLASIA, COMPLEX, WITH OTHER BRAIN MALFORMATIONS 16; Lissencephaly 3. Identifiers: Orphanet 171680, MedGen C4305153, MONDO:0012703, OMIM 611603.

Submission:

Institute of Human Genetics, University of Leipzig Medical Center
Classification: Likely pathogenic for Lissencephaly due to TUBA1A mutation. Last evaluated: 2023-11-13. Review status: criteria provided, single submitter. Criteria: ACMG Guidelines, 2015. Collection method: clinical testing. Allele origin: de novo. Inheritance: Autosomal dominant inheritance. Affected: yes.
Comment: Criteria applied: PS2_MOD, PM2, PP2, PP3